The following is an entry in ClinVar:

NM_004329.3(BMPR1A):c.1188G>A (p.Val396=)

Gene: BMPR1A (bone morphogenetic protein receptor type 1A; plus strand). Cytogenetic location: 10q23.2.
Variant type: single nucleotide variant.
Coding change: c.1188G>A on transcript NM_004329.3 (MANE Select); coding-DNA position 1188, G replaced by A.
Protein change: p.Val396=; no amino-acid change (valine 396 retained).
Molecular consequence: synonymous variant.
Genome position (GRCh38, 1-based): chr10:86,921,541, G>A. VCF-style: chr10-86921541-G-A. GRCh37 (hg19) VCF-style: chr10-88681298-G-A.
Identifiers: ClinVar variation 927377 (VCV000927377.11), dbSNP rs1843665086, ClinGen allele CA470308272.

ClinVar aggregate classification (germline): Benign/Likely benign. Review status: criteria provided, multiple submitters, no conflicts (2 of 4 stars). 6 submissions from 6 submitters: Benign (1); Likely benign (5). Last evaluated 2025-08-25.

Conditions:
Juvenile polyposis syndrome (JPS). Identifiers: Orphanet 2929, MedGen C0345893, MONDO:0017380, OMIM 174900.
Hereditary cancer-predisposing syndrome. Also called: Tumor predisposition; Neoplastic Syndromes, Hereditary; Hereditary neoplastic syndrome; Hereditary Cancer Syndrome. Identifiers: Orphanet 140162, MedGen C0027672, MeSH D009386, MONDO:0015356.

Allele frequency attached by ClinVar (database versions not stated): gnomAD exomes below 0.00001.
gnomAD v4.1: 1 of 1,614,082 alleles (0.000062%); highest among the groups gnomAD compares: Non-Finnish European, 0.000085%; no homozygotes.

Submissions (6):

Labcorp Genetics (formerly Invitae), Labcorp
Classification: Likely benign for Juvenile polyposis syndrome. Last evaluated: 2025-08-25. Review status: criteria provided, single submitter. Criteria: Invitae Variant Classification Sherloc (09022015). Collection method: clinical testing. Allele origin: germline.

Myriad Genetics, Inc.
Classification: Benign for Juvenile polyposis syndrome. Last evaluated: 2024-08-07. Review status: criteria provided, single submitter. Criteria: Myriad Autosomal Dominant, Autosomal Recessive and X-Linked Classification Criteria (2023). Collection method: clinical testing. Allele origin: unknown.
Comment: This variant is considered benign. This variant is a silent/synonymous amino acid change and it is not expected to impact splicing.

Ambry Genetics
Classification: Likely benign for Hereditary cancer-predisposing syndrome. Last evaluated: 2024-08-05. Review status: criteria provided, single submitter. Criteria: Ambry Variant Classification Scheme 2023. Collection method: clinical testing. Allele origin: germline.

Blueprint Genetics
Classification: Likely benign. Last evaluated: 2024-06-11. Review status: criteria provided, single submitter. Criteria: ACMG Guidelines, 2015. Collection method: clinical testing. Allele origin: germline.

All of Us Research Program, National Institutes of Health
Classification: Likely benign for Juvenile polyposis syndrome. Last evaluated: 2023-02-24. Review status: criteria provided, single submitter. Criteria: ACMG Guidelines, 2015. Collection method: clinical testing. Allele origin: germline. Inheritance: Autosomal dominant inheritance. Observed: 2 variant alleles, 2 heterozygotes.
Comment: This study involves interpretation of variants in research participants for the purpose of population health screening. Participant phenotype was not available at the time of variant classification. Additional details can be found in publication PMID: 35346344, PMCID: PMC8962531

Color Diagnostics, LLC DBA Color Health
Classification: Likely benign for Hereditary cancer-predisposing syndrome. Last evaluated: 2019-12-31. Review status: criteria provided, single submitter. Criteria: ACMG Guidelines, 2015. Collection method: clinical testing. Allele origin: germline.